The following is an entry in ClinVar:

NM_020686.6(ABAT):c.365C>T (p.Ala122Val)

Gene: ABAT (4-aminobutyrate aminotransferase; plus strand). Cytogenetic location: 16p13.2.
Variant type: single nucleotide variant.
Coding change: c.365C>T on transcript NM_020686.6 (MANE Select); coding-DNA position 365, C replaced by T.
Protein change: p.Ala122Val; replaces alanine 122 with valine.
Molecular consequence: missense variant.
Genome position (GRCh38, 1-based): chr16:8,757,805, C>T. VCF-style: chr16-8757805-C-T. GRCh37 (hg19) VCF-style: chr16-8851662-C-T.
Other names: c.365C>T, p.Ala122Val (NM_000663.5, NM_001127448.2, NM_001386600.1 and 10 more transcripts); c.230C>T, p.Ala77Val (NM_001386610.1, NM_001386611.1, NM_001386612.1 and 1 more transcripts); c.119C>T, p.Ala40Val (NM_001386614.1); c.461C>T, p.Ala154Val (NM_001386615.1); short protein forms A122V, A154V, A40V, A77V.
Identifiers: ClinVar variation 582824 (VCV000582824.8), dbSNP rs761782312, ClinGen allele CA7893081.

ClinVar aggregate classification (germline): Uncertain significance (1 of 4 stars; one submission).

Conditions:
Gamma-aminobutyric acid transaminase deficiency (GABATD). Also called: GABA aminotransaminase deficiency; GABA transaminase deficiency; Gamma aminobutyrate transaminase deficiency; 4 alpha aminobutyrate transaminase deficiency. Identifiers: Orphanet 2066, MedGen C0342708, MONDO:0013166, OMIM 613163.

Allele frequency attached by ClinVar (database versions not stated): TOPMed below 0.00001; gnomAD 0.00001; gnomAD exomes 0.00001; ExAC 0.00002.
gnomAD v4.1: 15 of 1,613,804 alleles (0.00093%); highest among the groups gnomAD compares: South Asian, 0.0022%; no homozygotes.

Submission:

Labcorp Genetics (formerly Invitae), Labcorp
Classification: Uncertain significance for Gamma-aminobutyric acid transaminase deficiency. Last evaluated: 2021-11-30. Review status: criteria provided, single submitter. Criteria: Invitae Variant Classification Sherloc (09022015). Collection method: clinical testing. Allele origin: germline.
Comment: In summary, the available evidence is currently insufficient to determine the role of this variant in disease. Therefore, it has been classified as a Variant of Uncertain Significance. Algorithms developed to predict the effect of sequence changes on RNA splicing suggest that this variant may disrupt the consensus splice site. Algorithms developed to predict the effect of missense changes on protein structure and function output the following: SIFT: "Tolerated"; PolyPhen-2: "Benign"; Align-GVGD: "Class C0". The valine amino acid residue is found in multiple mammalian species, which suggests that this missense change does not adversely affect protein function. ClinVar contains an entry for this variant (Variation ID: 582824). This variant has not been reported in the literature in individuals affected with ABAT-related conditions. This variant is present in population databases (rs761782312, gnomAD 0.003%). This sequence change replaces alanine, which is neutral and non-polar, with valine, which is neutral and non-polar, at codon 122 of the ABAT protein (p.Ala122Val).